The following is an entry in ClinVar:

NM_007289.4(MME):c.1735G>A (p.Gly579Ser)

Gene: MME (membrane metalloendopeptidase; plus strand). Cytogenetic location: 3q25.2.
Variant type: single nucleotide variant.
Coding change: c.1735G>A on transcript NM_007289.4 (MANE Select); coding-DNA position 1735, G replaced by A.
Protein change: p.Gly579Ser; replaces glycine 579 with serine.
Molecular consequence: missense variant.
Genome position (GRCh38, 1-based): chr3:155,166,976, G>A. VCF-style: chr3-155166976-G-A. GRCh37 (hg19) VCF-style: chr3-154884765-G-A.
Other names: c.1735G>A, p.Gly579Ser (NM_000902.5, NM_001354642.2, NM_001354643.1 and 2 more transcripts); short protein forms G579S.
Identifiers: ClinVar variation 931880 (VCV000931880.14), dbSNP rs767928746, ClinGen allele CA2675612.

ClinVar aggregate classification (germline): Uncertain significance. Review status: criteria provided, multiple submitters, no conflicts (2 of 4 stars). 4 submissions from 4 submitters: Uncertain significance (4). Last evaluated 2026-04-01.

Conditions:
Charcot-Marie-Tooth disease type 2. Also called: Charcot-Marie-Tooth type 2. Identifiers: Orphanet 64746, MedGen C0270914, MONDO:0018993.
Charcot-Marie-Tooth disease axonal type 2T. Identifiers: Orphanet 443950, MedGen C4015635, OMIM 617017, MONDO:0014866.
MME-related autosomal dominant Charcot Marie Tooth disease type 2. Identifiers: Orphanet 497757, MedGen C5567450, MONDO:0044657.
Spinocerebellar ataxia 43 (SCA43). Identifiers: Orphanet 497764, MedGen C4310763, MONDO:0014867, OMIM 617018.

Allele frequency attached by ClinVar (database versions not stated): gnomAD 0.00001; gnomAD exomes 0.00001; TOPMed 0.00001; ExAC 0.00002.
gnomAD v4.1: 9 of 1,613,620 alleles (0.00056%); highest among the groups gnomAD compares: Middle Eastern, 0.016%; no homozygotes.

Submissions (4):

CeGaT Center for Human Genetics Tuebingen
Classification: Uncertain significance. Last evaluated: 2026-04-01. Review status: criteria provided, single submitter. Criteria: CeGaT Center For Human Genetics Tuebingen Variant Classification Criteria Version 2. Collection method: clinical testing. Allele origin: germline. Affected: yes. Observed: 1 variant allele.
Comment: MME: PM2, PP3

Labcorp Genetics (formerly Invitae), Labcorp
Classification: Uncertain significance. Last evaluated: 2023-12-30. Review status: criteria provided, single submitter. Criteria: Invitae Variant Classification Sherloc (09022015). Collection method: clinical testing. Allele origin: germline.
Comment: This sequence change replaces glycine, which is neutral and non-polar, with serine, which is neutral and polar, at codon 579 of the MME protein (p.Gly579Ser). This variant is present in population databases (rs767928746, gnomAD 0.003%). This variant has not been reported in the literature in individuals affected with MME-related conditions. ClinVar contains an entry for this variant (Variation ID: 931880). Advanced modeling of protein sequence and biophysical properties (such as structural, functional, and spatial information, amino acid conservation, physicochemical variation, residue mobility, and thermodynamic stability) performed at Invitae indicates that this missense variant is expected to disrupt MME protein function with a positive predictive value of 80%. In summary, the available evidence is currently insufficient to determine the role of this variant in disease. Therefore, it has been classified as a Variant of Uncertain Significance.

GeneDx
Classification: Uncertain significance. Last evaluated: 2021-06-17. Review status: criteria provided, single submitter. Criteria: GeneDx Variant Classification Process June 2021. Collection method: clinical testing. Allele origin: germline. Affected: yes.
Comment: Not observed at significant frequency in large population cohorts (Lek et al., 2016); In silico analysis supports that this missense variant has a deleterious effect on protein structure/function; Has not been previously published as pathogenic or benign to our knowledge; This variant is associated with the following publications: (PMID: 27535533)

Centre for Mendelian Genomics, University Medical Centre Ljubljana
Classification: Uncertain significance for Spinocerebellar ataxia 43. Last evaluated: 2020-03-31. Review status: criteria provided, single submitter. Criteria: ACMG Guidelines, 2015. Collection method: clinical testing. Allele origin: unknown. Affected: yes.
Comment: This variant was classified as: Uncertain significance. The available evidence favors the pathogenic nature of this variant, however the currently available data is insufficient to conclusively support its pathogenic nature. Thus this variant is classified as Uncertain significance - favor pathogenic. The following ACMG criteria were applied in classifying this variant: PP3.